The following is an entry in ClinVar:

ClinVar aggregate classification (germline): Benign. Review status: criteria provided, multiple submitters, no conflicts (2 of 4 stars). 4 submissions from 4 submitters: Benign (3). 1 of the submissions does not count toward it. Last evaluated 2026-01-28.

Conditions:
ADAMTS9-related disorder. Also called: ADAMTS9-related condition.

Allele frequency attached by ClinVar (database versions not stated): ESP Exome Variant Server 0.09972; gnomAD 0.10354 and 0.10588; TOPMed 0.11779; gnomAD exomes 0.04447 and 0.08165; ExAC 0.07861; 1000 Genomes Project 0.12620; 1000 Genomes Project 30x 0.13070.
gnomAD v4.1: 81,472 of 1,613,648 alleles (5%); highest among the groups gnomAD compares: African/African-American, 23%; 4,496 homozygotes.

Submissions (4):

Labcorp Genetics (formerly Invitae), Labcorp
Classification: Benign. Last evaluated: 2026-01-28. Review status: criteria provided, single submitter. Criteria: Invitae Variant Classification Sherloc (09022015). Collection method: clinical testing. Allele origin: germline.

GeneDx
Classification: Benign. Last evaluated: 2021-05-04. Review status: criteria provided, single submitter. Criteria: GeneDx Variant Classification Process June 2021. Collection method: clinical testing. Allele origin: germline. Affected: yes.

Breakthrough Genomics
Classification: Benign. Review status: criteria provided, single submitter. Criteria: ACMG Guidelines, 2015. Collection method: not provided. Allele origin: germline. Inheritance: Unknown mechanism. Affected: yes.

PreventionGenetics, part of Exact Sciences
Classification: Benign for ADAMTS9-related condition. Last evaluated: 2019-12-30. Review status: no assertion criteria provided. Collection method: clinical testing. Allele origin: germline. Not counted in ClinVar's aggregate classification.
Comment: This variant is classified as benign based on ACMG/AMP sequence variant interpretation guidelines (Richards et al. 2015 PMID: 25741868, with internal and published modifications).

NM_182920.2(ADAMTS9):c.286T>A (p.Ser96Thr)

Genes: ADAMTS9 (ADAM metallopeptidase with thrombospondin type 1 motif 9; minus strand), ADAMTS9-AS2 (ADAMTS9 antisense RNA 2; plus strand). Cytogenetic location: 3p14.1.
Variant type: single nucleotide variant.
Coding change: c.286T>A on transcript NM_182920.2 (MANE Select); coding-DNA position 286, T replaced by A.
Protein change: p.Ser96Thr; replaces serine 96 with threonine.
Molecular consequence: missense variant.
Genome position (GRCh38, 1-based): chr3:64,686,798, A>T on the plus strand (T>A on the coding strand, the complement: ADAMTS9 is on the minus strand). VCF-style: chr3-64686798-A-T. GRCh37 (hg19) VCF-style: chr3-64672474-A-T.
Other names: c.286T>A, p.Ser96Thr (NM_001318781.2); short protein forms S96T.
Identifiers: ClinVar variation 1277022 (VCV001277022.12), dbSNP rs36115950, ClinGen allele CA2481902.